The following is an entry in ClinVar:

NM_005051.3(QARS1):c.140C>T (p.Thr47Ile)

Gene: QARS1 (glutaminyl-tRNA synthetase 1; minus strand). Cytogenetic location: 3p21.31.
Variant type: single nucleotide variant.
Coding change: c.140C>T on transcript NM_005051.3 (MANE Select); coding-DNA position 140, C replaced by T.
Protein change: p.Thr47Ile; replaces threonine 47 with isoleucine.
Molecular consequence: missense variant. On other transcripts: non-coding transcript variant (1).
Genome position (GRCh38, 1-based): chr3:49,104,449, G>A on the plus strand (C>T on the coding strand, the complement: QARS1 is on the minus strand). VCF-style: chr3-49104449-G-A. GRCh37 (hg19) VCF-style: chr3-49141882-G-A.
Other names: c.140C>T, p.Thr47Ile (NM_001272073.2); c.140C>T (NM_005051.1); short protein forms T47I.
Identifiers: ClinVar variation 1026968 (VCV001026968.5), dbSNP rs1342775742, ClinGen allele CA352723131.

ClinVar aggregate classification (germline): Uncertain significance. Review status: criteria provided, multiple submitters, no conflicts (2 of 4 stars). 2 submissions from 2 submitters: Uncertain significance (2). Last evaluated 2023-10-13.

Conditions:
Inborn genetic diseases. Identifiers: MedGen C0950123, MeSH D030342.
Diffuse cerebral and cerebellar atrophy - intractable seizures - progressive microcephaly syndrome. Also called: Microcephaly, progressive, with seizures and cerebral and cerebellar atrophy. Identifiers: Orphanet 404437, MedGen C4014239, MONDO:0014335, OMIM 615760.

Allele frequency attached by ClinVar (database versions not stated): gnomAD exomes below 0.00001; gnomAD 0.00002; TOPMed 0.00002.
gnomAD v4.1: 23 of 1,614,066 alleles (0.0014%); highest among the groups gnomAD compares: Non-Finnish European, 0.0019%; no homozygotes.

Submissions (2):

Labcorp Genetics (formerly Invitae), Labcorp
Classification: Uncertain significance for Diffuse cerebral and cerebellar atrophy - intractable seizures - progressive microcephaly syndrome. Last evaluated: 2023-10-13. Review status: criteria provided, single submitter. Criteria: Invitae Variant Classification Sherloc (09022015). Collection method: clinical testing. Allele origin: germline.
Comment: This sequence change replaces threonine, which is neutral and polar, with isoleucine, which is neutral and non-polar, at codon 47 of the QARS protein (p.Thr47Ile). This variant is present in population databases (no rsID available, gnomAD 0.0009%). This variant has not been reported in the literature in individuals affected with QARS-related conditions. ClinVar contains an entry for this variant (Variation ID: 1026968). Advanced modeling of protein sequence and biophysical properties (such as structural, functional, and spatial information, amino acid conservation, physicochemical variation, residue mobility, and thermodynamic stability) has been performed at Invitae for this missense variant, however the output from this modeling did not meet the statistical confidence thresholds required to predict the impact of this variant on QARS protein function. In summary, the available evidence is currently insufficient to determine the role of this variant in disease. Therefore, it has been classified as a Variant of Uncertain Significance.

Ambry Genetics
Classification: Uncertain significance for Inborn genetic diseases. Last evaluated: 2023-05-23. Review status: criteria provided, single submitter. Criteria: Ambry Variant Classification Scheme 2023. Collection method: clinical testing. Allele origin: germline.